The following is an entry in ClinVar:

ClinVar aggregate classification (germline): Uncertain significance (1 of 4 stars; one submission).

Allele frequency attached by ClinVar (database versions not stated): gnomAD exomes below 0.00001; TOPMed below 0.00001; ExAC 0.00001; ESP Exome Variant Server 0.00008.
gnomAD v4.1: 6 of 1,614,096 alleles (0.00037%); highest among the groups gnomAD compares: Non-Finnish European, 0.00042%; no homozygotes.

Submission:

Labcorp Genetics (formerly Invitae), Labcorp
Classification: Uncertain significance. Last evaluated: 2022-06-23. Review status: criteria provided, single submitter. Criteria: Invitae Variant Classification Sherloc (09022015). Collection method: clinical testing. Allele origin: germline.
Comment: This sequence change replaces isoleucine, which is neutral and non-polar, with serine, which is neutral and polar, at codon 1532 of the MYO5B protein (p.Ile1532Ser). This variant is present in population databases (rs368336546, gnomAD 0.0009%). This variant has not been reported in the literature in individuals affected with MYO5B-related conditions. Algorithms developed to predict the effect of missense changes on protein structure and function are either unavailable or do not agree on the potential impact of this missense change (SIFT: "Deleterious"; PolyPhen-2: "Possibly Damaging"; Align-GVGD: "Class C0"). In summary, the available evidence is currently insufficient to determine the role of this variant in disease. Therefore, it has been classified as a Variant of Uncertain Significance.

NM_001080467.3(MYO5B):c.4595T>G (p.Ile1532Ser)

Genes: MYO5B (myosin VB; minus strand), SNHG22 (small nucleolar RNA host gene 22; plus strand). Cytogenetic location: 18q21.1.
Variant type: single nucleotide variant.
Coding change: c.4595T>G on transcript NM_001080467.3 (MANE Select); coding-DNA position 4595, T replaced by G.
Protein change: p.Ile1532Ser; replaces isoleucine 1532 with serine.
Molecular consequence: missense variant.
Genome position (GRCh38, 1-based): chr18:49,843,257, A>C on the plus strand (T>G on the coding strand, the complement: MYO5B is on the minus strand). VCF-style: chr18-49843257-A-C. GRCh37 (hg19) VCF-style: chr18-47369627-A-C.
Other names: short protein forms I1532S.
Identifiers: ClinVar variation 1917662 (VCV001917662.2), dbSNP rs368336546, ClinGen allele CA8960299.